The following is an entry in ClinVar:

NM_024408.4(NOTCH2):c.4053T>C (p.Cys1351=)

Gene: NOTCH2 (notch receptor 2; minus strand). Cytogenetic location: 1p12.
Variant type: single nucleotide variant.
Coding change: c.4053T>C on transcript NM_024408.4 (MANE Select); coding-DNA position 4053, T replaced by C.
Protein change: p.Cys1351=; no amino-acid change (cysteine 1351 retained).
Molecular consequence: synonymous variant.
Genome position (GRCh38, 1-based): chr1:119,925,763, A>G on the plus strand (T>C on the coding strand, the complement: NOTCH2 is on the minus strand). VCF-style: chr1-119925763-A-G. GRCh37 (hg19) VCF-style: chr1-120468386-A-G.
Identifiers: ClinVar variation 4985947 (VCV004985947.1).

ClinVar aggregate classification (germline): Likely benign (1 of 4 stars; one submission).

Conditions:
NOTCH2-related disorder. Also called: NOTCH2-related condition.

gnomAD v4.1: 11 of 1,614,026 alleles (0.00068%); highest among the groups gnomAD compares: African/African-American, 0.0027%; no homozygotes.

Submission:

PreventionGenetics, part of Exact Sciences
Classification: Likely benign for NOTCH2-related condition. Last evaluated: 2026-04-03. Review status: criteria provided, single submitter. Criteria: ACMG Guidelines, 2015. Collection method: clinical testing. Allele origin: germline.
Comment: This variant is classified as likely benign based on ACMG/AMP sequence variant interpretation guidelines (Richards et al. 2015 PMID: 25741868, with internal and published modifications).